The following is an entry in ClinVar:

ClinVar aggregate classification (germline): Likely benign (0 of 4 stars; one submission).

Conditions:
CFAP69-related disorder. Also called: CFAP69-related condition.

gnomAD v4.1: 1,633 of 1,601,618 alleles (0.1%); highest among the groups gnomAD compares: African/African-American, 1.9%; 27 homozygotes.

Submission:

PreventionGenetics, part of Exact Sciences
Classification: Likely benign for CFAP69-related condition. Last evaluated: 2024-08-30. Review status: no assertion criteria provided. Collection method: clinical testing. Allele origin: germline.
Comment: This variant is classified as likely benign based on ACMG/AMP sequence variant interpretation guidelines (Richards et al. 2015 PMID: 25741868, with internal and published modifications).

NM_001039706.3(CFAP69):c.2474C>T (p.Thr825Met)

Gene: CFAP69 (cilia and flagella associated protein 69; plus strand). Cytogenetic location: 7q21.13.
Variant type: single nucleotide variant.
Coding change: c.2474C>T on transcript NM_001039706.3 (MANE Select); coding-DNA position 2474, C replaced by T.
Protein change: p.Thr825Met; replaces threonine 825 with methionine.
Molecular consequence: missense variant.
Genome position (GRCh38, 1-based): chr7:90,307,778, C>T. VCF-style: chr7-90307778-C-T. GRCh37 (hg19) VCF-style: chr7-89937092-C-T.
Other names: c.2420C>T, p.Thr807Met (NM_001160138.2); c.2276C>T, p.Thr759Met (NM_001363438.1); short protein forms T759M, T807M, T825M.
Identifiers: ClinVar variation 3355023 (VCV003355023.1).